The following is an entry in ClinVar:

ClinVar aggregate classification (germline): Conflicting classifications of pathogenicity. Review status: criteria provided, conflicting classifications (1 of 4 stars). 5 submissions from 5 submitters: Uncertain significance (4); Likely benign (1). Last evaluated 2025-09-22.

Conditions:
Inborn genetic diseases. Identifiers: MedGen C0950123, MeSH D030342.
Gastrointestinal defects and immunodeficiency syndrome 1 (GIDID1). Also called: Combined immunodeficiency-enteropathy spectrum. Identifiers: Orphanet 436252, MedGen C5968858, MONDO:0800030, OMIM 243150.
Multiple gastrointestinal atresias. Also called: FAMILIAL INTESTINAL POLYATRESIA SYNDROME; Multiple intestinal atresia. Identifiers: Orphanet 2300, MedGen C0220744, MONDO:0009465.

Allele frequency attached by ClinVar (database versions not stated): 1000 Genomes Project 30x 0.00031; 1000 Genomes Project 0.00040; TOPMed 0.00015; gnomAD exomes 0.00019; ESP Exome Variant Server 0.00008; ExAC 0.00021; gnomAD 0.00016 and 0.00011.
gnomAD v4.1: 213 of 1,613,746 alleles (0.013%); highest among the groups gnomAD compares: East Asian, 0.15%; no homozygotes.

Submissions (5):

Mayo Clinic Laboratories, Mayo Clinic
Classification: Uncertain significance. Last evaluated: 2025-09-22. Review status: criteria provided, single submitter. Criteria: ACMG Guidelines, 2015. Collection method: clinical testing. Allele origin: germline. Observed: 2 variant alleles.
Comment: BP4_moderate

Ambry Genetics
Classification: Uncertain significance for Inborn genetic diseases. Last evaluated: 2025-07-13. Review status: criteria provided, single submitter. Criteria: Ambry Variant Classification Scheme 2023. Collection method: clinical testing. Allele origin: germline.

Labcorp Genetics (formerly Invitae), Labcorp
Classification: Uncertain significance for Multiple gastrointestinal atresias. Last evaluated: 2024-12-16. Review status: criteria provided, single submitter. Criteria: Invitae Variant Classification Sherloc (09022015). Collection method: clinical testing. Allele origin: germline.
Comment: This sequence change replaces valine, which is neutral and non-polar, with isoleucine, which is neutral and non-polar, at codon 397 of the TTC7A protein (p.Val397Ile). This variant is present in population databases (rs146284515, gnomAD 0.1%). This variant has not been reported in the literature in individuals affected with TTC7A-related conditions. ClinVar contains an entry for this variant (Variation ID: 572873). Invitae Evidence Modeling of protein sequence and biophysical properties (such as structural, functional, and spatial information, amino acid conservation, physicochemical variation, residue mobility, and thermodynamic stability) indicates that this missense variant is not expected to disrupt TTC7A protein function with a negative predictive value of 80%. In summary, the available evidence is currently insufficient to determine the role of this variant in disease. Therefore, it has been classified as a Variant of Uncertain Significance.

3billion
Classification: Likely benign for Gastrointestinal defects and immunodeficiency syndrome 1. Last evaluated: 2024-09-20. Review status: criteria provided, single submitter. Criteria: ACMG Guidelines, 2015. Collection method: clinical testing. Allele origin: germline. Affected: no.
Comment: The homozygous variant was found in patients diagnosed with another variant in a different gene, with no symptoms related to the gene containing the homozygous variant.

Baylor Genetics
Classification: Uncertain significance for Gastrointestinal defects and immunodeficiency syndrome 1. Last evaluated: 2019-06-21. Review status: criteria provided, single submitter. Criteria: ACMG Guidelines, 2015. Collection method: clinical testing. Allele origin: unknown. Affected: yes.
Comment: This variant was determined to be of uncertain significance according to ACMG Guidelines, 2015 [PMID:25741868].

NM_020458.4(TTC7A):c.1189G>A (p.Val397Ile)

Gene: TTC7A (tetratricopeptide repeat domain 7A; plus strand). Cytogenetic location: 2p21.
Variant type: single nucleotide variant.
Coding change: c.1189G>A on transcript NM_020458.4 (MANE Select); coding-DNA position 1189, G replaced by A.
Protein change: p.Val397Ile; replaces valine 397 with isoleucine.
Molecular consequence: missense variant.
Genome position (GRCh38, 1-based): chr2:47,006,045, G>A. VCF-style: chr2-47006045-G-A. GRCh37 (hg19) VCF-style: chr2-47233184-G-A.
Other names: c.1189G>A, p.Val397Ile (LRG_1323t1, NM_001288951.2); c.1087G>A, p.Val363Ile (NM_001288953.2); c.127G>A, p.Val43Ile (NM_001288955.2); short protein forms V363I, V397I, V43I.
Identifiers: ClinVar variation 572873 (VCV000572873.17), dbSNP rs146284515, ClinGen allele CA1647523.